The following is an entry in ClinVar:

NM_000179.3(MSH6):c.1682T>C (p.Val561Ala)

Gene: MSH6 (mutS homolog 6; plus strand). Cytogenetic location: 2p16.3.
Variant type: single nucleotide variant.
Coding change: c.1682T>C on transcript NM_000179.3 (MANE Select); coding-DNA position 1682, T replaced by C.
Protein change: p.Val561Ala; replaces valine 561 with alanine.
Molecular consequence: missense variant.
Genome position (GRCh38, 1-based): chr2:47,799,665, T>C. VCF-style: chr2-47799665-T-C. GRCh37 (hg19) VCF-style: chr2-48026804-T-C.
Other names: c.1292T>C, p.Val431Ala (NM_001281492.2); c.776T>C, p.Val259Ala (NM_001281493.2, NM_001281494.2); short protein forms V431A, V259A, V561A.
Identifiers: ClinVar variation 819814 (VCV000819814.21), dbSNP rs1042131614, ClinGen allele CA46708754.

ClinVar aggregate classification (germline): Uncertain significance. Review status: criteria provided, multiple submitters, no conflicts (2 of 4 stars). 5 submissions from 5 submitters: Uncertain significance (5). Last evaluated 2025-11-03.

Conditions:
Hereditary cancer-predisposing syndrome. Also called: Neoplastic Syndromes, Hereditary; Tumor predisposition; Hereditary Cancer Syndrome; Hereditary neoplastic syndrome. Identifiers: Orphanet 140162, MedGen C0027672, MeSH D009386, MONDO:0015356.
Lynch syndrome. Identifiers: Orphanet 144, MedGen C4552100, MONDO:0005835. Disease mechanism: loss of function.
Endometrial carcinoma. Also called: Endometrial carcinoma, somatic. Identifiers: MedGen C0476089, MONDO:0002447, OMIM 608089, HP:0012114.
Hereditary nonpolyposis colorectal neoplasms. Identifiers: MedGen C0009405, MeSH D003123.

Allele frequency attached by ClinVar (database versions not stated): gnomAD 0.00001.
gnomAD v4.1: 2 of 1,614,100 alleles (0.00012%); highest among the groups gnomAD compares: African/African-American, 0.0027%; no homozygotes.

Submissions (5):

Ambry Genetics
Classification: Uncertain significance for Hereditary cancer-predisposing syndrome. Last evaluated: 2025-11-03. Review status: criteria provided, single submitter. Criteria: Ambry Variant Classification Scheme 2023. Collection method: clinical testing. Allele origin: germline.
Comment: The p.V561A variant (also known as c.1682T>C), located in coding exon 4 of the MSH6 gene, results from a T to C substitution at nucleotide position 1682. The valine at codon 561 is replaced by alanine, an amino acid with similar properties. This amino acid position is well conserved in available vertebrate species. In addition, this alteration is predicted to be deleterious by in silico analysis. Since supporting evidence is limited at this time, the clinical significance of this alteration remains unclear.

Labcorp Genetics (formerly Invitae), Labcorp
Classification: Uncertain significance for Hereditary nonpolyposis colorectal neoplasms. Last evaluated: 2025-09-09. Review status: criteria provided, single submitter. Criteria: Invitae Variant Classification Sherloc (09022015). Collection method: clinical testing. Allele origin: germline.
Comment: This sequence change replaces valine, which is neutral and non-polar, with alanine, which is neutral and non-polar, at codon 561 of the MSH6 protein (p.Val561Ala). This variant is not present in population databases (gnomAD no frequency). This variant has not been reported in the literature in individuals affected with MSH6-related conditions. ClinVar contains an entry for this variant (Variation ID: 819814). Invitae Evidence Modeling of protein sequence and biophysical properties (such as structural, functional, and spatial information, amino acid conservation, physicochemical variation, residue mobility, and thermodynamic stability) indicates that this missense variant is not expected to disrupt MSH6 protein function with a negative predictive value of 95%. In summary, the available evidence is currently insufficient to determine the role of this variant in disease. Therefore, it has been classified as a Variant of Uncertain Significance.

All of Us Research Program, National Institutes of Health
Classification: Uncertain significance for Lynch syndrome. Last evaluated: 2024-07-20. Review status: criteria provided, single submitter. Criteria: ACMG Guidelines, 2015. Collection method: clinical testing. Allele origin: germline. Inheritance: Autosomal dominant inheritance. Observed: 1 variant allele, 1 heterozygote.
Comment: This missense variant replaces valine with alanine at codon 561 of the MSH6 protein. Computational prediction suggests that this variant may have deleterious impact on protein structure and function (internally defined REVEL score threshold >= 0.7, PMID: 27666373). To our knowledge, functional studies have not been reported for this variant. This variant has not been reported in individuals affected with MSH6-related disorders in the literature. This variant has not been identified in the general population by the Genome Aggregation Database (gnomAD). The available evidence is insufficient to determine the role of this variant in disease conclusively. Therefore, this variant is classified as a Variant of Uncertain Significance.

This study involves interpretation of variants in research participants for the purpose of population health screening. Participant phenotype was not available at the time of variant classification. Additional details can be found in publication PMID: 35346344, PMCID: PMC8962531

Color Diagnostics, LLC DBA Color Health
Classification: Uncertain significance for Hereditary cancer-predisposing syndrome. Last evaluated: 2023-12-04. Review status: criteria provided, single submitter. Criteria: ACMG Guidelines, 2015. Collection method: clinical testing. Allele origin: germline.
Comment: This missense variant replaces valine with alanine at codon 561 of the MSH6 protein. Computational prediction suggests that this variant may have deleterious impact on protein structure and function (internally defined REVEL score threshold >= 0.7, PMID: 27666373). To our knowledge, functional studies have not been reported for this variant. This variant has not been reported in individuals affected with MSH6-related disorders in the literature. This variant has not been identified in the general population by the Genome Aggregation Database (gnomAD). The available evidence is insufficient to determine the role of this variant in disease conclusively. Therefore, this variant is classified as a Variant of Uncertain Significance.

Baylor Genetics
Classification: Uncertain significance for Endometrial carcinoma. Last evaluated: 2023-09-19. Review status: criteria provided, single submitter. Criteria: ACMG Guidelines, 2015. Collection method: clinical testing. Allele origin: unknown.